The following is an entry in ClinVar:

ClinVar aggregate classification (germline): Uncertain significance. Review status: criteria provided, multiple submitters, no conflicts (2 of 4 stars). 2 submissions from 2 submitters: Uncertain significance (2). Last evaluated 2025-03-18.

Conditions:
Early Myoclonic Encephalopathy. Identifiers: MedGen C0270855.

Submissions (2):

GeneDx
Classification: Uncertain significance. Last evaluated: 2025-03-18. Review status: criteria provided, single submitter. Criteria: GeneDx Variant Classification Process June 2021. Collection method: clinical testing. Allele origin: germline. Affected: yes.
Comment: Not observed at significant frequency in large population cohorts (gnomAD); In silico analysis supports that this missense variant has a deleterious effect on protein structure/function; Has not been previously published as pathogenic or benign to our knowledge

Labcorp Genetics (formerly Invitae), Labcorp
Classification: Uncertain significance for Early Myoclonic Encephalopathy. Last evaluated: 2023-03-19. Review status: criteria provided, single submitter. Criteria: Invitae Variant Classification Sherloc (09022015). Collection method: clinical testing. Allele origin: germline.
Comment: This sequence change replaces proline, which is neutral and non-polar, with arginine, which is basic and polar, at codon 178 of the KCND2 protein (p.Pro178Arg). This variant is not present in population databases (gnomAD no frequency). This variant has not been reported in the literature in individuals affected with KCND2-related conditions. Advanced modeling of protein sequence and biophysical properties (such as structural, functional, and spatial information, amino acid conservation, physicochemical variation, residue mobility, and thermodynamic stability) has been performed at Invitae for this missense variant, however the output from this modeling did not meet the statistical confidence thresholds required to predict the impact of this variant on KCND2 protein function. In summary, the available evidence is currently insufficient to determine the role of this variant in disease. Therefore, it has been classified as a Variant of Uncertain Significance.

NM_012281.3(KCND2):c.533C>G (p.Pro178Arg)

Gene: KCND2 (potassium voltage-gated channel subfamily D member 2; plus strand). Cytogenetic location: 7q31.31.
Variant type: single nucleotide variant.
Coding change: c.533C>G on transcript NM_012281.3 (MANE Select); coding-DNA position 533, C replaced by G.
Protein change: p.Pro178Arg; replaces proline 178 with arginine.
Molecular consequence: missense variant.
Genome position (GRCh38, 1-based): chr7:120,275,165, C>G. VCF-style: chr7-120275165-C-G. GRCh37 (hg19) VCF-style: chr7-119915219-C-G.
Other names: c.533C>G (NM_012281.2); short protein forms P178R.
Identifiers: ClinVar variation 2847586 (VCV002847586.4), dbSNP rs2546907330, ClinGen allele CA369131821.
Genomic context (GRCh38, chr7:120,275,165, plus strand): 5'-GGGAGAGCGCCTTGCCCACCATGACTGCAAGGCAGAGGGTCTGGAGGGCCTTCGAGAACC[C>G]CCACACCAGCACGATGGCCCTGGTGTTCTACTATGTCACGGGGTTTTTCATTGCCGTCTC-3'
Protein context (NP_036413.1, residues 168-188): RQRVWRAFEN[Pro178Arg]HTSTMALVFY